The following is an entry in ClinVar:

ClinVar aggregate classification (germline): Uncertain significance (1 of 4 stars; one submission).

Submission:

Women's Health and Genetics/Laboratory Corporation of America, LabCorp
Classification: Uncertain significance. Last evaluated: 2026-04-03. Review status: criteria provided, single submitter. Criteria: LabCorp Variant Classification Summary - May 2015. Collection method: clinical testing. Allele origin: germline.
Comment: Variant summary: POLR2A c.4064T>C (p.Val1355Ala) results in a non-conservative amino acid change in the encoded protein sequence. Algorithms developed to predict the effect of missense changes on protein structure and function are either unavailable or do not agree on the potential impact of this missense change. The variant was absent in 250610 control chromosomes. The available data on variant occurrences in the general population are insufficient to allow any conclusion about variant significance. To our knowledge, no occurrence of c.4064T>C in individuals affected with POLR2A-related conditions and no experimental evidence demonstrating its impact on protein function have been reported. No submitters have cited clinical-significance assessments for this variant to ClinVar. Based on the evidence outlined above, the variant was classified as uncertain significance.

NM_000937.5(POLR2A):c.4064T>C (p.Val1355Ala)

Genes: POLR2A (RNA polymerase II subunit A; plus strand), LOC126862482 (CDK7 strongly-dependent group 2 enhancer GRCh37_chr17:7414586-7415785; plus strand). Cytogenetic location: 17p13.1.
Variant type: single nucleotide variant.
Coding change: c.4064T>C on transcript NM_000937.5 (MANE Select); coding-DNA position 4064, T replaced by C.
Protein change: p.Val1355Ala; replaces valine 1355 with alanine.
Molecular consequence: missense variant.
Genome position (GRCh38, 1-based): chr17:7,511,551, T>C. VCF-style: chr17-7511551-T-C. GRCh37 (hg19) VCF-style: chr17-7414870-T-C.
Other names: short protein forms V1355A.
Identifiers: ClinVar variation 4848919 (VCV004848919.1).
Genomic context (GRCh38, chr17:7,511,551, plus strand): 5'-TCCTGGAGACGGACGGCGTGAGCTTGATGCGGGTGCTGAGTGAGAAGGACGTGGACCCCG[T>C]ACGCACCACGTCCAATGACATTGTGGAGATCTTCACGGTGAGCCCGTGTGTGCTGCCTAG-3'
Protein context (NP_000928.1, residues 1345-1365): RVLSEKDVDP[Val1355Ala]RTTSNDIVEI